The following is an entry in ClinVar:

NM_145045.5(ODAD3):c.245A>G (p.Glu82Gly)

Gene: ODAD3 (outer dynein arm docking complex subunit 3; minus strand). Cytogenetic location: 19p13.2.
Variant type: single nucleotide variant.
Coding change: c.245A>G on transcript NM_145045.5 (MANE Select); coding-DNA position 245, A replaced by G.
Protein change: p.Glu82Gly; replaces glutamic acid 82 with glycine.
Molecular consequence: missense variant.
Genome position (GRCh38, 1-based): chr19:11,431,020, T>C on the plus strand (A>G on the coding strand, the complement: ODAD3 is on the minus strand). VCF-style: chr19-11431020-T-C. GRCh37 (hg19) VCF-style: chr19-11541840-T-C.
Other names: c.83A>G, p.Glu28Gly (NM_001302453.1); c.245A>G, p.Glu82Gly (NM_001302454.2); short protein forms E82G, E28G.
Identifiers: ClinVar variation 544214 (VCV000544214.8), dbSNP rs1318880960, ClinGen allele CA404127757.
Genomic context (GRCh38, chr19:11,431,020, plus strand): 5'-GTCTCCTGGTTCTTCTTGATGTTCCACTGAGAGCTCTCAAAAAAAGCCTTCCGGTCACCC[T>C]CTGGCAGGCAGGTGAGGTGGACAGACACACAGTTACTGGGTGGGTGCATGGGTGCAACAT-3'
Protein context (NP_659482.3, residues 72-92): AELHKKIQLL[Glu82Gly]GDRKAFFESS

ClinVar aggregate classification (germline): Uncertain significance (1 of 4 stars; one submission).

Conditions:
Primary ciliary dyskinesia 30. Also called: CILIARY DYSKINESIA, PRIMARY, 30, WITH OR WITHOUT SITUS INVERSUS. Identifiers: Orphanet 244, MedGen C4015016, MONDO:0014465, OMIM 616037.

Allele frequency attached by ClinVar (database versions not stated): gnomAD 0.00001.
gnomAD v4.1: 1 of 1,613,958 alleles (0.000062%); highest among the groups gnomAD compares: Non-Finnish European, 0.000085%; no homozygotes.

Submission:

Labcorp Genetics (formerly Invitae), Labcorp
Classification: Uncertain significance for Primary ciliary dyskinesia 30. Last evaluated: 2024-05-22. Review status: criteria provided, single submitter. Criteria: Invitae Variant Classification Sherloc (09022015). Collection method: clinical testing. Allele origin: germline.
Comment: This sequence change replaces glutamic acid, which is acidic and polar, with glycine, which is neutral and non-polar, at codon 82 of the CCDC151 protein (p.Glu82Gly). This variant is not present in population databases (gnomAD no frequency). This variant has not been reported in the literature in individuals affected with CCDC151-related conditions. ClinVar contains an entry for this variant (Variation ID: 544214). An algorithm developed to predict the effect of missense changes on protein structure and function (PolyPhen-2) suggests that this variant is likely to be disruptive. In summary, the available evidence is currently insufficient to determine the role of this variant in disease. Therefore, it has been classified as a Variant of Uncertain Significance.